The following is an entry in ClinVar:

NM_000217.3(KCNA1):c.58C>A (p.Gln20Lys)

Gene: KCNA1 (potassium voltage-gated channel subfamily A member 1; plus strand). Cytogenetic location: 12p13.32.
Variant type: single nucleotide variant.
Coding change: c.58C>A on transcript NM_000217.3 (MANE Select); coding-DNA position 58, C replaced by A.
Protein change: p.Gln20Lys; replaces glutamine 20 with lysine.
Molecular consequence: missense variant.
Genome position (GRCh38, 1-based): chr12:4,911,436, C>A. VCF-style: chr12-4911436-C-A. GRCh37 (hg19) VCF-style: chr12-5020602-C-A.
Other names: short protein forms Q20K.
Identifiers: ClinVar variation 2982893 (VCV002982893.3), dbSNP rs2497351299, ClinGen allele CA383453701.

ClinVar aggregate classification (germline): Uncertain significance (1 of 4 stars; one submission).

Conditions:
Episodic ataxia type 1 (EA1). Also called: ATAXIA, EPISODIC, WITH MYOKYMIA; Episodic ataxia/myokymia syndrome; MYOKYMIA WITH PERIODIC ATAXIA; PAROXYSMAL ATAXIA WITH NEUROMYOTONIA, HEREDITARY. Identifiers: Orphanet 37612, Orphanet 972, MedGen C1719788, MONDO:0008047, OMIM 160120.

gnomAD v4.1: 5 of 1,613,708 alleles (0.00031%); highest among the groups gnomAD compares: Non-Finnish European, 0.00042%; no homozygotes.

Submission:

Labcorp Genetics (formerly Invitae), Labcorp
Classification: Uncertain significance for Episodic ataxia type 1. Last evaluated: 2023-05-09. Review status: criteria provided, single submitter. Criteria: Invitae Variant Classification Sherloc (09022015). Collection method: clinical testing. Allele origin: germline.
Comment: In summary, the available evidence is currently insufficient to determine the role of this variant in disease. Therefore, it has been classified as a Variant of Uncertain Significance. Advanced modeling of protein sequence and biophysical properties (such as structural, functional, and spatial information, amino acid conservation, physicochemical variation, residue mobility, and thermodynamic stability) performed at Invitae indicates that this missense variant is not expected to disrupt KCNA1 protein function. This variant has not been reported in the literature in individuals affected with KCNA1-related conditions. This variant is not present in population databases (gnomAD no frequency). This sequence change replaces glutamine, which is neutral and polar, with lysine, which is basic and polar, at codon 20 of the KCNA1 protein (p.Gln20Lys).